The following is an entry in ClinVar:

ClinVar aggregate classification (germline): Benign/Likely benign. Review status: criteria provided, multiple submitters, no conflicts (2 of 4 stars). 3 submissions from 3 submitters: Benign (2); Likely benign (1). Last evaluated 2025-12-29.

Conditions:
Vitreoretinopathy. Also called: Vitreoretinal degeneration. Identifiers: MedGen C0344290, MONDO:0020248, HP:0007773.

Allele frequency attached by ClinVar (database versions not stated): gnomAD 0.00010 and 0.00021; gnomAD exomes 0.00011 and 0.00032; TOPMed 0.00029; ExAC 0.00031; 1000 Genomes Project 0.00160; 1000 Genomes Project 30x 0.00172.
gnomAD v4.1: 214 of 1,614,064 alleles (0.013%); highest among the groups gnomAD compares: East Asian, 0.32%; no homozygotes.

Submissions (3):

Labcorp Genetics (formerly Invitae), Labcorp
Classification: Benign. Last evaluated: 2025-12-29. Review status: criteria provided, single submitter. Criteria: Invitae Variant Classification Sherloc (09022015). Collection method: clinical testing. Allele origin: germline.

Blueprint Genetics
Classification: Likely benign. Last evaluated: 2024-07-22. Review status: criteria provided, single submitter. Criteria: ACMG Guidelines, 2015. Collection method: clinical testing. Allele origin: germline.

Illumina Laboratory Services, Illumina
Classification: Benign for Vitreoretinopathy. Last evaluated: 2018-01-13. Review status: criteria provided, single submitter. Criteria: ICSL Variant Classification Criteria 13 December 2019. Collection method: clinical testing. Allele origin: germline.
Comment: This variant was observed in the ICSL laboratory as part of a predisposition screen in an ostensibly healthy population. It had not been previously curated by ICSL or reported in the Human Gene Mutation Database (HGMD: prior to June 1st, 2018), and was therefore a candidate for classification through an automated scoring system. Utilizing variant allele frequency, disease prevalence and penetrance estimates, and inheritance mode, an automated score was calculated to assess if this variant is too frequent to cause the disease. Based on the score and internal cut-off values, a variant classified as benign is not then subjected to further curation. The score for this variant resulted in a classification of benign for this disease.

NM_004385.5(VCAN):c.2220T>C (p.Ser740=)

Gene: VCAN (versican; plus strand). Cytogenetic location: 5q14.3.
Variant type: single nucleotide variant.
Coding change: c.2220T>C on transcript NM_004385.5 (MANE Select); coding-DNA position 2220, T replaced by C.
Protein change: p.Ser740=; no amino-acid change (serine 740 retained).
Molecular consequence: synonymous variant. On other transcripts: intron variant (2).
Genome position (GRCh38, 1-based): chr5:83,520,526, T>C. VCF-style: chr5-83520526-T-C. GRCh37 (hg19) VCF-style: chr5-82816345-T-C.
Other names: c.2220T>C, p.Ser740= (NM_001164098.2); c.1042+8130T>C (NM_001164097.2, NM_001126336.3).
Identifiers: ClinVar variation 354404 (VCV000354404.17), dbSNP rs201834775, ClinGen allele CA3332811.